The following is an entry in ClinVar:

ClinVar aggregate classification (germline): Uncertain significance. Review status: criteria provided, multiple submitters, no conflicts (2 of 4 stars). 2 submissions from 2 submitters: Uncertain significance (2). Last evaluated 2024-06-18.

Conditions:
Macrothrombocytopenia and granulocyte inclusions with or without nephritis or sensorineural hearing loss (MATINS). Also called: MYH9-Related Disease (MYH9-RD); MACROTHROMBOCYTOPENIA, NEPHRITIS, AND DEAFNESS; MACROTHROMBOCYTOPENIA, NEPHRITIS, DEAFNESS, AND LEUKOCYTE INCLUSIONS; ALPORT SYNDROME WITH MACROTHROMBOCYTOPENIA; SEBASTIAN PLATELET SYNDROME; MACROTHROMBOCYTOPENIA WITH DISPERSED LEUKOCYTIC INCLUSIONS. Identifiers: Orphanet 182050, MedGen C5200934, MONDO:0015912, OMIM 155100.

gnomAD v4.1: 2 of 1,612,848 alleles (0.00012%); highest among the groups gnomAD compares: Non-Finnish European, 0.00017%; no homozygotes.

Submissions (2):

MVZ Medizinische Genetik Mainz
Classification: Uncertain significance for Macrothrombocytopenia and granulocyte inclusions with or without nephritis or sensorineural hearing loss. Last evaluated: 2024-06-18. Review status: criteria provided, single submitter. Criteria: UK Practice Guidelines For Variant Classification V4 01 2020. Collection method: clinical testing. Allele origin: germline. Inheritance: Autosomal dominant inheritance. Affected: yes. Observed: 1 variant allele.
Comment: ACMG Criteria: PM2_SUP,PP3

Blueprint Genetics
Classification: Uncertain significance. Last evaluated: 2017-11-13. Review status: criteria provided, single submitter. Criteria: ACMG Guidelines, 2015. Collection method: clinical testing. Allele origin: germline.

NM_002473.6(MYH9):c.3630G>A (p.Arg1210=)

Gene: MYH9 (myosin heavy chain 9; minus strand). Cytogenetic location: 22q12.3.
Variant type: single nucleotide variant.
Coding change: c.3630G>A on transcript NM_002473.6 (MANE Select); coding-DNA position 3630, G replaced by A.
Protein change: p.Arg1210=; no amino-acid change (arginine 1210 retained).
Molecular consequence: synonymous variant.
Genome position (GRCh38, 1-based): chr22:36,294,932, C>T on the plus strand (G>A on the coding strand, the complement: MYH9 is on the minus strand). VCF-style: chr22-36294932-C-T. GRCh37 (hg19) VCF-style: chr22-36690978-C-T.
Identifiers: ClinVar variation 3256641 (VCV003256641.2).